The following is an entry in ClinVar:

ClinVar aggregate classification (germline): Uncertain significance (1 of 4 stars; one submission).

Conditions:
Hereditary factor VIII deficiency disease (HEMA). Also called: HEMOPHILIA, CLASSIC; AUTOSOMAL HEMOPHILIA A; Hemophilia A; Hemophilia A, congenital; HEM A; Factor 8 deficiency, congenital. Identifiers: Orphanet 98878, MedGen C0019069, MONDO:0010602, OMIM 306700.

gnomAD v4.1: 12 of 1,208,355 alleles (0.00099%); highest among the groups gnomAD compares: South Asian, 0.0088%; no homozygotes.

Submission:

Myriad Genetics, Inc.
Classification: Uncertain significance for Hereditary factor VIII deficiency disease. Last evaluated: 2026-03-20. Review status: criteria provided, single submitter. Criteria: Myriad Autosomal Dominant, Autosomal Recessive and X-Linked Classification Criteria (2023). Collection method: clinical testing. Allele origin: unknown.
Comment: NM_000132.3(F8):c.6404G>A(R2135Q) is a missense variant classified as a variant of uncertain significance in the context of hemophilia A. R2135Q has been observed in a case with relevant disease (PMID: 33245802). Relevant functional assessments of this variant are not available in the literature. R2135Q has been observed in referenced population frequency databases. In summary, there is insufficient evidence to classify NM_000132.3(F8):c.6404G>A(R2135Q) as pathogenic or benign. Please note: this variant was assessed in the context of healthy population screening.

Literature cited by the submitters: PubMed 33245802.

NM_000132.4(F8):c.6404G>A (p.Arg2135Gln)

Gene: F8 (coagulation factor VIII; minus strand). Cytogenetic location: Xq28.
Variant type: single nucleotide variant.
Coding change: c.6404G>A on transcript NM_000132.4 (MANE Select); coding-DNA position 6404, G replaced by A.
Protein change: p.Arg2135Gln; replaces arginine 2135 with glutamine.
Molecular consequence: missense variant.
Genome position (GRCh38, 1-based): chrX:154,896,102, C>T on the plus strand (G>A on the coding strand, the complement: F8 is on the minus strand). VCF-style: chrX-154896102-C-T. GRCh37 (hg19) VCF-style: chrX-154124377-C-T.
Other names: short protein forms R2135Q.
Identifiers: ClinVar variation 5003960 (VCV005003960.1).